The following is an entry in ClinVar:

NM_001040108.2(MLH3):c.2736C>T (p.Cys912=)

Gene: MLH3 (mutL homolog 3; minus strand). Cytogenetic location: 14q24.3.
Variant type: single nucleotide variant.
Coding change: c.2736C>T on transcript NM_001040108.2 (MANE Select); coding-DNA position 2736, C replaced by T.
Protein change: p.Cys912=; no amino-acid change (cysteine 912 retained).
Molecular consequence: synonymous variant.
Genome position (GRCh38, 1-based): chr14:75,046,920, G>A on the plus strand (C>T on the coding strand, the complement: MLH3 is on the minus strand). VCF-style: chr14-75046920-G-A. GRCh37 (hg19) VCF-style: chr14-75513623-G-A.
Other names: c.2736C>T, p.Cys912= (NM_014381.3).
Identifiers: ClinVar variation 3349702 (VCV003349702.2).

ClinVar aggregate classification (germline): Likely benign. Review status: criteria provided, single submitter (1 of 4 stars). 2 submissions from 2 submitters: Likely benign (1). 1 of the submissions does not count toward it. Last evaluated 2024-11-15.

Conditions:
MLH3-related disorder. Also called: MLH3-related condition.

gnomAD v4.1: 1 of 1,614,014 alleles (0.000062%); highest among the groups gnomAD compares: South Asian, 0.0011%; no homozygotes.

Submissions (2):

Ambry Genetics
Classification: Likely benign. Last evaluated: 2024-11-15. Review status: criteria provided, single submitter. Criteria: Ambry Variant Classification Scheme 2023. Collection method: clinical testing. Allele origin: germline.

PreventionGenetics, part of Exact Sciences
Classification: Likely benign for MLH3-related condition. Last evaluated: 2024-03-29. Review status: no assertion criteria provided. Collection method: clinical testing. Allele origin: germline. Not counted in ClinVar's aggregate classification.
Comment: This variant is classified as likely benign based on ACMG/AMP sequence variant interpretation guidelines (Richards et al. 2015 PMID: 25741868, with internal and published modifications).